The following is an entry in ClinVar:

ClinVar aggregate classification (germline): Pathogenic (1 of 4 stars; one submission).

Conditions:
Oculofaciocardiodental syndrome (MCOPS2). Identifiers: Orphanet 2712, MedGen C1846265, MONDO:0010261, OMIM 300166.

Submission:

Labcorp Genetics (formerly Invitae), Labcorp
Classification: Pathogenic for Oculofaciocardiodental syndrome. Last evaluated: 2018-08-29. Review status: criteria provided, single submitter. Criteria: Invitae Variant Classification Sherloc (09022015). Collection method: clinical testing. Allele origin: germline.
Comment: This sequence change creates a premature translational stop signal (p.Pro1156Leufs*3) in the BCOR gene. It is expected to result in an absent or disrupted protein product. This variant is not present in population databases (ExAC no frequency). This variant has not been reported in the literature in individuals with BCOR-related disease. Loss-of-function variants in BCOR are known to be pathogenic (PMID: 15004558, 19367324). For these reasons, this variant has been classified as Pathogenic.

NM_001123385.2(BCOR):c.3467del (p.Pro1156fs)

Gene: BCOR (BCL6 corepressor; minus strand). Cytogenetic location: Xp11.4.
Variant type: Deletion.
Coding change: c.3467del on transcript NM_001123385.2 (MANE Select); coding-DNA position 3467, one base deleted (C; older notation c.3467delC).
Protein change: p.Pro1156fs; shifts the reading frame from proline 1156.
Molecular consequence: frameshift variant.
Genome position (GRCh38, 1-based): chrX:40,064,371, G deleted on the plus strand (C on the coding strand, the reverse complement: BCOR is on the minus strand); the first of 3 consecutive G bases (chrX:40,064,371-40,064,373); deleting any one gives the same sequence. VCF-style (leftmost placement, unchanged base first): chrX-40064370-AG-A. GRCh37 (hg19) VCF-style: chrX-39923623-AG-A.
Other names: c.3465delC, p.Pro1156Leufs (NM_001123383.2); c.3413del, p.Pro1138fs (NM_001123384.2); c.3467del, p.Pro1156fs (NM_017745.6); short protein forms P1138fs, P1156fs.
Identifiers: ClinVar variation 642113 (VCV000642113.1), dbSNP rs1602130188, ClinGen allele CA915950947.